The following is an entry in ClinVar:

NM_177438.3(DICER1):c.2699T>C (p.Ile900Thr)

Gene: DICER1 (dicer 1, ribonuclease III; minus strand). Cytogenetic location: 14q32.13.
Variant type: single nucleotide variant.
Coding change: c.2699T>C on transcript NM_177438.3 (MANE Select); coding-DNA position 2699, T replaced by C.
Protein change: p.Ile900Thr; replaces isoleucine 900 with threonine.
Molecular consequence: missense variant.
Genome position (GRCh38, 1-based): chr14:95,107,713, A>G on the plus strand (T>C on the coding strand, the complement: DICER1 is on the minus strand). VCF-style: chr14-95107713-A-G. GRCh37 (hg19) VCF-style: chr14-95574050-A-G.
Other names: c.2699T>C, p.Ile900Thr (NM_001195573.1, NM_001271282.3, NM_001291628.2 and 1 more transcripts); short protein forms I900T.
Identifiers: ClinVar variation 821684 (VCV000821684.12), dbSNP rs777174247, ClinGen allele CA7331191.

ClinVar aggregate classification (germline): Uncertain significance. Review status: criteria provided, multiple submitters, no conflicts (2 of 4 stars). 2 submissions from 2 submitters: Uncertain significance (2). Last evaluated 2026-01-19.

Conditions:
Hereditary cancer-predisposing syndrome. Also called: Hereditary Cancer Syndrome; Neoplastic Syndromes, Hereditary; Hereditary neoplastic syndrome; Tumor predisposition. Identifiers: Orphanet 140162, MedGen C0027672, MeSH D009386, MONDO:0015356.
DICER1-related tumor predisposition. Also called: DICER1-related pleuropulmonary blastoma cancer predisposition syndrome; DICER1 syndrome. Identifiers: Orphanet 284343, MedGen C3839822, MONDO:0100216.

Allele frequency attached by ClinVar (database versions not stated): TOPMed below 0.00001; gnomAD exomes 0.00001 and 0.00003; ExAC 0.00002.
gnomAD v4.1: 15 of 1,613,744 alleles (0.00093%); highest among the groups gnomAD compares: Non-Finnish European, 0.00025%; no homozygotes.

Submissions (2):

Labcorp Genetics (formerly Invitae), Labcorp
Classification: Uncertain significance for DICER1-related tumor predisposition. Last evaluated: 2026-01-19. Review status: criteria provided, single submitter. Criteria: Invitae Variant Classification Sherloc (09022015). Collection method: clinical testing. Allele origin: germline.
Comment: This sequence change replaces isoleucine, which is neutral and non-polar, with threonine, which is neutral and polar, at codon 900 of the DICER1 protein (p.Ile900Thr). This variant is present in population databases (rs777174247, gnomAD 0.02%). This variant has not been reported in the literature in individuals affected with DICER1-related conditions. ClinVar contains an entry for this variant (Variation ID: 821684). Invitae Evidence Modeling of protein sequence and biophysical properties (such as structural, functional, and spatial information, amino acid conservation, physicochemical variation, residue mobility, and thermodynamic stability) indicates that this missense variant is not expected to disrupt DICER1 protein function with a negative predictive value of 95%. In summary, the available evidence is currently insufficient to determine the role of this variant in disease. Therefore, it has been classified as a Variant of Uncertain Significance.

Ambry Genetics
Classification: Uncertain significance for Hereditary cancer-predisposing syndrome. Last evaluated: 2024-11-05. Review status: criteria provided, single submitter. Criteria: Ambry Variant Classification Scheme 2023. Collection method: clinical testing. Allele origin: germline.
Comment: The p.I900T variant (also known as c.2699T>C), located in coding exon 16 of the DICER1 gene, results from a T to C substitution at nucleotide position 2699. The isoleucine at codon 900 is replaced by threonine, an amino acid with similar properties. This amino acid position is highly conserved in available vertebrate species. In addition, the in silico prediction for this alteration is inconclusive. Since supporting evidence is limited at this time, the clinical significance of this alteration remains unclear.